The following is an entry in ClinVar:

NM_001365480.1(CCDC88A):c.3815A>G (p.Lys1272Arg)

Gene: CCDC88A (coiled-coil and HOOK domain protein 88A; minus strand). Cytogenetic location: 2p16.1.
Variant type: single nucleotide variant.
Coding change: c.3815A>G on transcript NM_001365480.1 (MANE Select); coding-DNA position 3815, A replaced by G.
Protein change: p.Lys1272Arg; replaces lysine 1272 with arginine.
Molecular consequence: missense variant.
Genome position (GRCh38, 1-based): chr2:55,316,046, T>C on the plus strand (A>G on the coding strand, the complement: CCDC88A is on the minus strand). VCF-style: chr2-55316046-T-C. GRCh37 (hg19) VCF-style: chr2-55543182-T-C.
Other names: c.3812A>G, p.Lys1271Arg (NM_001135597.2, NM_001254943.2); c.3815A>G, p.Lys1272Arg (NM_018084.5); short protein forms K1272R, K1271R.
Identifiers: ClinVar variation 2010089 (VCV002010089.4), dbSNP rs777996302, ClinGen allele CA1665680.

ClinVar aggregate classification (germline): Uncertain significance (1 of 4 stars; one submission).

Allele frequency attached by ClinVar (database versions not stated): gnomAD exomes below 0.00001; ExAC 0.00002.
gnomAD v4.1: 5 of 1,589,424 alleles (0.00031%); highest among the groups gnomAD compares: South Asian, 0.0057%; 1 homozygote.

Submission:

Labcorp Genetics (formerly Invitae), Labcorp
Classification: Uncertain significance. Last evaluated: 2022-06-24. Review status: criteria provided, single submitter. Criteria: Invitae Variant Classification Sherloc (09022015). Collection method: clinical testing. Allele origin: germline.
Comment: This variant has not been reported in the literature in individuals affected with CCDC88A-related conditions. This variant is not present in population databases (gnomAD no frequency). This sequence change replaces lysine, which is basic and polar, with arginine, which is basic and polar, at codon 1271 of the CCDC88A protein (p.Lys1271Arg). In summary, the available evidence is currently insufficient to determine the role of this variant in disease. Therefore, it has been classified as a Variant of Uncertain Significance. Algorithms developed to predict the effect of missense changes on protein structure and function are either unavailable or do not agree on the potential impact of this missense change (SIFT: "Deleterious"; PolyPhen-2: "Probably Damaging"; Align-GVGD: "Class C0").